The following is an entry in ClinVar:

NM_004807.3(HS6ST1):c.48C>T (p.Ser16=)

Gene: HS6ST1 (heparan sulfate 6-O-sulfotransferase 1; minus strand). Cytogenetic location: 2q14.3.
Variant type: single nucleotide variant.
Coding change: c.48C>T on transcript NM_004807.3 (MANE Select); coding-DNA position 48, C replaced by T.
Protein change: p.Ser16=; no amino-acid change (serine 16 retained).
Molecular consequence: synonymous variant.
Genome position (GRCh38, 1-based): chr2:128,318,516, G>A on the plus strand (C>T on the coding strand, the complement: HS6ST1 is on the minus strand). VCF-style: chr2-128318516-G-A. GRCh37 (hg19) VCF-style: chr2-129076090-G-A.
Other names: c.48C>T (NM_004807.2).
Identifiers: ClinVar variation 2716290 (VCV002716290.5), dbSNP rs776102619, ClinGen allele CA1867701.

ClinVar aggregate classification (germline): Likely benign. Review status: criteria provided, single submitter (1 of 4 stars). 2 submissions from 2 submitters: Likely benign (1). 1 of the submissions does not count toward it. Last evaluated 2022-12-20.

Conditions:
HS6ST1-related disorder. Also called: HS6ST1-related condition.

Allele frequency attached by ClinVar (database versions not stated): gnomAD 0.00009; TOPMed 0.00014; 1000 Genomes Project 30x 0.00016.
gnomAD v4.1: 117 of 1,536,696 alleles (0.0076%); highest among the groups gnomAD compares: Middle Eastern, 0.043%; no homozygotes.

Submissions (2):

Labcorp Genetics (formerly Invitae), Labcorp
Classification: Likely benign. Last evaluated: 2022-12-20. Review status: criteria provided, single submitter. Criteria: Invitae Variant Classification Sherloc (09022015). Collection method: clinical testing. Allele origin: germline.

PreventionGenetics, part of Exact Sciences
Classification: Likely benign for HS6ST1-related condition. Last evaluated: 2020-02-26. Review status: no assertion criteria provided. Collection method: clinical testing. Allele origin: germline. Not counted in ClinVar's aggregate classification.
Comment: This variant is classified as likely benign based on ACMG/AMP sequence variant interpretation guidelines (Richards et al. 2015 PMID: 25741868, with internal and published modifications).